The following is an entry in ClinVar:

ClinVar aggregate classification (germline): Uncertain significance. Review status: criteria provided, multiple submitters, no conflicts (2 of 4 stars). 4 submissions from 4 submitters: Uncertain significance (3). 1 of the submissions does not count toward it. Last evaluated 2026-09-18.

Conditions:
Cohen syndrome (COH1). Also called: PEPPER SYNDROME; Cutis verticis gyrata, retinitis pigmentosa, and sensorineural deafness. Identifiers: Orphanet 193, MedGen C0265223, MONDO:0008999, OMIM 216550.
VPS13B-related disorder. Also called: VPS13B-related condition.

Allele frequency attached by ClinVar (database versions not stated): gnomAD exomes below 0.00001 and 0.00003; ESP Exome Variant Server 0.00008.
gnomAD v4.1: 37 of 1,613,538 alleles (0.0023%); highest among the groups gnomAD compares: Non-Finnish European, 0.0031%; no homozygotes.

Submissions (4):

PreventionGenetics, part of Exact Sciences
Classification: Uncertain significance for VPS13B-related condition. Last evaluated: 2026-09-18. Review status: criteria provided, single submitter. Criteria: ACMG Guidelines, 2015. Collection method: clinical testing. Allele origin: germline.
Comment: The VPS13B c.9183+6A>G variant is predicted to interfere with splicing. To our knowledge, this variant has not been reported in the literature. This variant is reported in 0.00088% of alleles in individuals of European (Non-Finnish) descent in gnomAD. Although we suspect that this variant may be benign, at this time, the clinical significance of this variant is uncertain due to the absence of conclusive functional and genetic evidence.

Women's Health and Genetics/Laboratory Corporation of America, LabCorp
Classification: Uncertain significance. Last evaluated: 2024-06-30. Review status: criteria provided, single submitter. Criteria: LabCorp Variant Classification Summary - May 2015. Collection method: clinical testing. Allele origin: germline.

Eurofins Ntd Llc (ga)
Classification: Uncertain significance. Last evaluated: 2016-07-26. Review status: criteria provided, single submitter. Criteria: EGL Classification Definitions 2015. Collection method: clinical testing. Allele origin: germline. Observed: 1 variant allele, 1 heterozygote.

Natera, Inc.
Classification: Uncertain significance for Cohen syndrome. Last evaluated: 2025-02-18. Review status: no assertion criteria provided. Collection method: clinical testing. Allele origin: germline. Not counted in ClinVar's aggregate classification.

NM_152564.5(VPS13B):c.9183+6A>G

Gene: VPS13B (vacuolar protein sorting 13 homolog B; plus strand). Cytogenetic location: 8q22.2.
Variant type: single nucleotide variant.
Coding change: c.9183+6A>G on transcript NM_152564.5 (MANE Select); 6 bases into the intron after coding-DNA position 9183, A replaced by G.
Molecular consequence: intron variant.
Genome position (GRCh38, 1-based): chr8:99,821,488, A>G. VCF-style: chr8-99821488-A-G. GRCh37 (hg19) VCF-style: chr8-100833716-A-G.
Other names: c.9258+6A>G (NM_017890.5, NM_017890.4); c.9183+6A>G (NM_152564.4).
Identifiers: ClinVar variation 288892 (VCV000288892.9), dbSNP rs369495448, ClinGen allele CA10606259.